The following is an entry in ClinVar:

ClinVar aggregate classification (germline): Likely benign. Review status: criteria provided, multiple submitters, no conflicts (2 of 4 stars). 2 submissions from 2 submitters: Likely benign (2). Last evaluated 2026-01-01.

Conditions:
DNAH11-related disorder. Also called: DNAH11-related condition.
Primary ciliary dyskinesia. Also called: Ciliary dyskinesia. Identifiers: Orphanet 244, MedGen C0008780, MONDO:0016575, HP:0012265.

Allele frequency attached by ClinVar (database versions not stated): gnomAD exomes 0.00002 and 0.00009; gnomAD 0.00005; ExAC 0.00007; ESP Exome Variant Server 0.00008; TOPMed 0.00010.
gnomAD v4.1: 35 of 1,610,020 alleles (0.0022%); highest among the groups gnomAD compares: East Asian, 0.036%; no homozygotes.

Submissions (2):

Labcorp Genetics (formerly Invitae), Labcorp
Classification: Likely benign for Primary ciliary dyskinesia. Last evaluated: 2026-01-01. Review status: criteria provided, single submitter. Criteria: Invitae Variant Classification Sherloc (09022015). Collection method: clinical testing. Allele origin: germline.

PreventionGenetics, part of Exact Sciences
Classification: Likely benign for DNAH11-related condition. Last evaluated: 2025-01-22. Review status: criteria provided, single submitter. Criteria: ACMG Guidelines, 2015. Collection method: clinical testing. Allele origin: germline.
Comment: This variant is classified as likely benign based on ACMG/AMP sequence variant interpretation guidelines (Richards et al. 2015 PMID: 25741868, with internal and published modifications).

NM_001277115.2(DNAH11):c.2043A>G (p.Gln681=)

Gene: DNAH11 (dynein axonemal heavy chain 11; plus strand). Cytogenetic location: 7p15.3.
Variant type: single nucleotide variant.
Coding change: c.2043A>G on transcript NM_001277115.2 (MANE Select); coding-DNA position 2043, A replaced by G.
Protein change: p.Gln681=; no amino-acid change (glutamine 681 retained).
Molecular consequence: synonymous variant.
Genome position (GRCh38, 1-based): chr7:21,589,277, A>G. VCF-style: chr7-21589277-A-G. GRCh37 (hg19) VCF-style: chr7-21628895-A-G.
Identifiers: ClinVar variation 700138 (VCV000700138.7), dbSNP rs375927648, ClinGen allele CA4179202.
Genomic context (GRCh38, chr7:21,589,277, plus strand): 5'-CAATCCTGATCACGCTTTAGTTTATCAAAAGTATGTTGAAATGACCACTTTGCTTGATCA[A>G]TTTGAAAGTCGTATCTATAATGAATGGAAAAGTAATGTGGATGAAATCTGTGAATTCAAT-3'
Protein context (NP_001264044.1, residues 671-691): KYVEMTTLLD[Gln681=]FESRIYNEWK